The following is an entry in ClinVar:

NM_003482.4(KMT2D):c.13632G>A (p.Gly4544=)

Gene: KMT2D (lysine methyltransferase 2D; minus strand). Cytogenetic location: 12q13.12.
Variant type: single nucleotide variant.
Coding change: c.13632G>A on transcript NM_003482.4 (MANE Select); coding-DNA position 13632, G replaced by A.
Protein change: p.Gly4544=; no amino-acid change (glycine 4544 retained).
Molecular consequence: synonymous variant.
Genome position (GRCh38, 1-based): chr12:49,030,932, C>T on the plus strand (G>A on the coding strand, the complement: KMT2D is on the minus strand). VCF-style: chr12-49030932-C-T. GRCh37 (hg19) VCF-style: chr12-49424715-C-T.
Identifiers: ClinVar variation 2993736 (VCV002993736.5), dbSNP rs950501470, ClinGen allele CA236638076.

ClinVar aggregate classification (germline): Benign. Review status: criteria provided, single submitter (1 of 4 stars). 2 submissions from 2 submitters: Benign (1). 1 of the submissions does not count toward it. Last evaluated 2024-07-06.

Conditions:
KMT2D-related disorder. Also called: KMT2D-Related Disorders.
Kabuki syndrome. Also called: Kabuki make-up syndrome; NIIKAWA-KUROKI SYNDROME. Identifiers: Orphanet 2322, MedGen C0796004, MONDO:0016512.

Allele frequency attached by ClinVar (database versions not stated): TOPMed 0.00002; gnomAD 0.00004.
gnomAD v4.1: 25 of 1,613,860 alleles (0.0015%); highest among the groups gnomAD compares: African/African-American, 0.0053%; no homozygotes.

Submissions (2):

Labcorp Genetics (formerly Invitae), Labcorp
Classification: Benign for Kabuki syndrome. Last evaluated: 2024-07-06. Review status: criteria provided, single submitter. Criteria: Invitae Variant Classification Sherloc (09022015). Collection method: clinical testing. Allele origin: germline.

PreventionGenetics, part of Exact Sciences
Classification: Likely benign for KMT2D-related condition. Last evaluated: 2022-03-31. Review status: no assertion criteria provided. Collection method: clinical testing. Allele origin: germline. Not counted in ClinVar's aggregate classification.
Comment: This variant is classified as likely benign based on ACMG/AMP sequence variant interpretation guidelines (Richards et al. 2015 PMID: 25741868, with internal and published modifications).